The following is an entry in ClinVar:

NM_001282479.1(PRR23D1):c.309G>A (p.Glu103=)

Gene: PRR23D1 (proline rich 23 domain containing 1). Cytogenetic location: 8p23.1.
Variant type: single nucleotide variant.
Coding change: c.309G>A on transcript NM_001282479.1 (MANE Select); coding-DNA position 309, G replaced by A.
Protein change: p.Glu103=; no amino-acid change (glutamic acid 103 retained).
Molecular consequence: synonymous variant.
Genome position (GRCh38, 1-based): chr8:7,541,349, G>A. VCF-style: chr8-7541349-G-A. GRCh37 (hg19) VCF-style: chr8-7398871-G-A.
Identifiers: ClinVar variation 3388401 (VCV003388401.14).

ClinVar aggregate classification (germline): Likely benign (1 of 4 stars; one submission).

Submission:

CeGaT Center for Human Genetics Tuebingen
Classification: Likely benign. Last evaluated: 2024-09-01. Review status: criteria provided, single submitter. Criteria: CeGaT Center For Human Genetics Tuebingen Variant Classification Criteria Version 2. Collection method: clinical testing. Allele origin: germline. Affected: yes. Observed: 1 variant allele.
Comment: PRR23D1: BP4, BP7